The following is an entry in ClinVar:

ClinVar aggregate classification (germline): Uncertain significance. Review status: criteria provided, multiple submitters, no conflicts (2 of 4 stars). 2 submissions from 2 submitters: Uncertain significance (2). Last evaluated 2024-12-05.

Allele frequency attached by ClinVar (database versions not stated): gnomAD exomes 0.00010 and 0.00006; gnomAD 0.00011 and 0.00009; TOPMed 0.00013.
gnomAD v4.1: 30 of 455,126 alleles (0.0066%); highest among the groups gnomAD compares: Admixed American, 0.021%; no homozygotes.

Submissions (2):

GeneDx
Classification: Uncertain significance. Last evaluated: 2024-12-05. Review status: criteria provided, single submitter. Criteria: GeneDx Variant Classification Process June 2021. Collection method: clinical testing. Allele origin: germline. Affected: yes.
Comment: In silico analysis indicates that this missense variant does not alter protein structure/function; Has not been previously published as pathogenic or benign to our knowledge

Labcorp Genetics (formerly Invitae), Labcorp
Classification: Uncertain significance. Last evaluated: 2022-09-19. Review status: criteria provided, single submitter. Criteria: Invitae Variant Classification Sherloc (09022015). Collection method: clinical testing. Allele origin: germline.
Comment: This sequence change replaces arginine, which is basic and polar, with glutamine, which is neutral and polar, at codon 47 of the PDSS1 protein (p.Arg47Gln). This variant is present in population databases (rs778744862, gnomAD 0.02%). This variant has not been reported in the literature in individuals affected with PDSS1-related conditions. ClinVar contains an entry for this variant (Variation ID: 1398351). Algorithms developed to predict the effect of missense changes on protein structure and function are either unavailable or do not agree on the potential impact of this missense change (SIFT: "Not Available"; PolyPhen-2: "Benign"; Align-GVGD: "Not Available"). In summary, the available evidence is currently insufficient to determine the role of this variant in disease. Therefore, it has been classified as a Variant of Uncertain Significance.

NM_014317.5(PDSS1):c.140G>A (p.Arg47Gln)

Gene: PDSS1 (decaprenyl diphosphate synthase subunit 1; plus strand). Cytogenetic location: 10p12.1.
Variant type: single nucleotide variant.
Coding change: c.140G>A on transcript NM_014317.5 (MANE Select); coding-DNA position 140, G replaced by A.
Protein change: p.Arg47Gln; replaces arginine 47 with glutamine.
Molecular consequence: missense variant. On other transcripts: 5 prime UTR variant (1).
Genome position (GRCh38, 1-based): chr10:26,702,172, G>A. VCF-style: chr10-26702172-G-A. GRCh37 (hg19) VCF-style: chr10-26991101-G-A.
Other names: c.140G>A, p.Arg47Gln (NM_001321978.2); c.-454G>A (NM_001321979.2); c.140G>A (NM_014317.3); short protein forms R47Q.
Identifiers: ClinVar variation 1398351 (VCV001398351.5), dbSNP rs778744862, ClinGen allele CA205007127.